The following is an entry in ClinVar:

NM_001008212.2(OPTN):c.161T>A (p.Leu54Gln)

Genes: OPTN (optineurin; plus strand), LOC108903148 (10p13 OPTN distal Alu-mediated recombination region; plus strand). Cytogenetic location: 10p13.
Variant type: single nucleotide variant.
Coding change: c.161T>A on transcript NM_001008212.2 (MANE Select); coding-DNA position 161, T replaced by A.
Protein change: p.Leu54Gln; replaces leucine 54 with glutamine.
Molecular consequence: missense variant.
Genome position (GRCh38, 1-based): chr10:13,109,283, T>A. VCF-style: chr10-13109283-T-A. GRCh37 (hg19) VCF-style: chr10-13151283-T-A.
Other names: c.161T>A, p.Leu54Gln (NM_001008211.1, NM_001008213.1, NM_021980.4); short protein forms L54Q.
Identifiers: ClinVar variation 1975626 (VCV001975626.6), dbSNP rs753480064, ClinGen allele CA376027271.

ClinVar aggregate classification (germline): Uncertain significance. Review status: criteria provided, multiple submitters, no conflicts (2 of 4 stars). 2 submissions from 2 submitters: Uncertain significance (2). Last evaluated 2024-02-06.

Conditions:
Primary open angle glaucoma (POAG). Also called: OPTN-related open angle glaucoma. Identifiers: MedGen C0339573, MONDO:0100553, OMIM 137760.
Glaucoma 1, open angle, E. Identifiers: MedGen C1842026, MONDO:0007665.
Amyotrophic lateral sclerosis type 12 (ALS12). Also called: AMYOTROPHIC LATERAL SCLEROSIS 12 WITH OR WITHOUT FRONTOTEMPORAL DEMENTIA. Identifiers: Orphanet 803, MedGen C3150692, MONDO:0013264, OMIM 613435.

Allele frequency attached by ClinVar (database versions not stated): gnomAD exomes 0.00001.
gnomAD v4.1: 11 of 1,613,596 alleles (0.00068%); highest among the groups gnomAD compares: African/African-American, 0.0013%; no homozygotes.

Submissions (2):

GeneDx
Classification: Uncertain significance. Last evaluated: 2024-02-06. Review status: criteria provided, single submitter. Criteria: GeneDx Variant Classification Process June 2021. Collection method: clinical testing. Allele origin: germline. Affected: yes.
Comment: Not observed at significant frequency in large population cohorts (gnomAD); In silico analysis supports that this missense variant has a deleterious effect on protein structure/function; This variant is associated with the following publications: (PMID: 32556086, 27620379)

Labcorp Genetics (formerly Invitae), Labcorp
Classification: Uncertain significance for Primary open angle glaucoma; Glaucoma 1, open angle, E; Amyotrophic lateral sclerosis type 12. Last evaluated: 2022-05-01. Review status: criteria provided, single submitter. Criteria: Invitae Variant Classification Sherloc (09022015). Collection method: clinical testing. Allele origin: germline.
Comment: Experimental studies have shown that this missense change affects OPTN function (PMID: 27620379). In summary, the available evidence is currently insufficient to determine the role of this variant in disease. Therefore, it has been classified as a Variant of Uncertain Significance. Algorithms developed to predict the effect of missense changes on protein structure and function (SIFT, PolyPhen-2, Align-GVGD) all suggest that this variant is likely to be disruptive. This missense change has been observed in individual(s) with clinical features of autosomal dominant OPTN-related conditions (Invitae). This variant is not present in population databases (gnomAD no frequency). This sequence change replaces leucine, which is neutral and non-polar, with glutamine, which is neutral and polar, at codon 54 of the OPTN protein (p.Leu54Gln).

Literature cited by the submitters: PubMed 27620379 (cited by Labcorp Genetics (formerly Invitae), Labcorp).